The following is an entry in ClinVar:

NM_001194998.2(CEP152):c.5012del (p.Phe1671fs)

Gene: CEP152 (centrosomal protein 152; minus strand). Cytogenetic location: 15q21.1.
Variant type: Deletion.
Coding change: c.5012del on transcript NM_001194998.2 (MANE Select); coding-DNA position 5012, one base deleted (T; older notation c.5012delT).
Protein change: p.Phe1671fs; shifts the reading frame from phenylalanine 1671.
Molecular consequence: frameshift variant.
Genome position (GRCh38, 1-based): chr15:48,738,370, A deleted on the plus strand (T on the coding strand, the reverse complement: CEP152 is on the minus strand); the first of 3 consecutive A bases (chr15:48,738,370-48,738,372); deleting any one gives the same sequence. VCF-style (leftmost placement, unchanged base first): chr15-48738369-GA-G. GRCh37 (hg19) VCF-style: chr15-49030566-GA-G.
Other names: c.4844del, p.Phe1615fs (NM_014985.4); c.4844del (NM_014985.3); short protein forms F1615fs, F1671fs.
Identifiers: ClinVar variation 2813331 (VCV002813331.4), dbSNP rs1892713617, ClinGen allele CA969576657.

ClinVar aggregate classification (germline): Conflicting classifications of pathogenicity. Review status: criteria provided, conflicting classifications (1 of 4 stars). 2 submissions from 2 submitters: Uncertain significance (1); Likely benign (1). Last evaluated 2025-01-30.

Submissions (2):

GeneDx
Classification: Uncertain significance. Last evaluated: 2025-01-30. Review status: criteria provided, single submitter. Criteria: GeneDx Variant Classification Process June 2021. Collection method: clinical testing. Allele origin: germline. Affected: yes.
Comment: Not observed at significant frequency in large population cohorts (gnomAD); Has not been previously published as pathogenic or benign to our knowledge; Frameshift variant predicted to result in abnormal protein length as the last 40 amino acids are replaced with 3 different amino acids with an unclear effect on protein function

Labcorp Genetics (formerly Invitae), Labcorp
Classification: Likely benign. Last evaluated: 2023-07-30. Review status: criteria provided, single submitter. Criteria: Invitae Variant Classification Sherloc (09022015). Collection method: clinical testing. Allele origin: germline.